The following is an entry in ClinVar:

ClinVar aggregate classification (germline): Uncertain significance. Review status: criteria provided, multiple submitters, no conflicts (2 of 4 stars). 2 submissions from 2 submitters: Uncertain significance (2). Last evaluated 2024-05-18.

Conditions:
Joubert syndrome. Also called: CEREBELLOPARENCHYMAL DISORDER IV; JOUBERT-BOLTSHAUSER SYNDROME; Familial aplasia of the vermis. Identifiers: Orphanet 475, MedGen C5979921, MONDO:0018772.
Nephronophthisis. Also called: Juvenile Nephronophthisis. Identifiers: Orphanet 655, MedGen C0687120, MONDO:0019005, HP:0000090.
Meckel-Gruber syndrome. Also called: DYSENCEPHALIA SPLANCHNOCYSTICA; GRUBER SYNDROME; Dysencephalia splachnocystica. Identifiers: Orphanet 564, MedGen C0265215, MONDO:0018921.
Senior-Loken syndrome 6 (SLSN6). Identifiers: Orphanet 3156, MedGen C1857779, MONDO:0012433, OMIM 610189.
Joubert syndrome 5 (JBTS5). Identifiers: Orphanet 2318, MedGen C1857780, MONDO:0012432, OMIM 610188.
Bardet-Biedl syndrome 14 (BBS14). Identifiers: Orphanet 110, MedGen C2673874, MONDO:0014442, OMIM 615991.
Leber congenital amaurosis 10 (LCA10). Identifiers: Orphanet 65, MedGen C1857821, MONDO:0012723, OMIM 611755.
Meckel syndrome, type 4 (MKS4). Also called: MECKEL-GRUBER SYNDROME, TYPE 4. Identifiers: Orphanet 564, MedGen C1970161, MONDO:0012626, OMIM 611134.

Allele frequency attached by ClinVar (database versions not stated): gnomAD exomes below 0.00001; gnomAD 0.00001.
gnomAD v4.1: 5 of 1,537,956 alleles (0.00033%); highest among the groups gnomAD compares: South Asian, 0.0063%; no homozygotes.

Submissions (2):

Fulgent Genetics
Classification: Uncertain significance for Joubert syndrome 5; Senior-Loken syndrome 6; Meckel syndrome, type 4; Leber congenital amaurosis 10; Bardet-Biedl syndrome 14. Last evaluated: 2024-05-18. Review status: criteria provided, single submitter. Criteria: ACMG Guidelines, 2015. Collection method: clinical testing. Allele origin: germline.

Labcorp Genetics (formerly Invitae), Labcorp
Classification: Uncertain significance for Joubert syndrome; Meckel-Gruber syndrome; Nephronophthisis. Last evaluated: 2021-08-27. Review status: criteria provided, single submitter. Criteria: Invitae Variant Classification Sherloc (09022015). Collection method: clinical testing. Allele origin: germline.
Comment: This sequence change replaces aspartic acid with valine at codon 2352 of the CEP290 protein (p.Asp2352Val). The aspartic acid residue is weakly conserved and there is a large physicochemical difference between aspartic acid and valine. This variant is not present in population databases (ExAC no frequency). This variant has not been reported in the literature in individuals affected with CEP290-related conditions. Algorithms developed to predict the effect of missense changes on protein structure and function are either unavailable or do not agree on the potential impact of this missense change (SIFT: "Deleterious"; PolyPhen-2: "Benign"; Align-GVGD: "Class C0"). In summary, the available evidence is currently insufficient to determine the role of this variant in disease. Therefore, it has been classified as a Variant of Uncertain Significance.

NM_025114.4(CEP290):c.7055A>T (p.Asp2352Val)

Gene: CEP290 (centrosomal protein 290; minus strand). Cytogenetic location: 12q21.32.
Variant type: single nucleotide variant.
Coding change: c.7055A>T on transcript NM_025114.4 (MANE Select); coding-DNA position 7055, A replaced by T.
Protein change: p.Asp2352Val; replaces aspartic acid 2352 with valine.
Molecular consequence: missense variant.
Genome position (GRCh38, 1-based): chr12:88,053,726, T>A on the plus strand (A>T on the coding strand, the complement: CEP290 is on the minus strand). VCF-style: chr12-88053726-T-A. GRCh37 (hg19) VCF-style: chr12-88447503-T-A.
Other names: short protein forms D2352V.
Identifiers: ClinVar variation 1424659 (VCV001424659.6), dbSNP rs2033762979, ClinGen allele CA385975127.
Genomic context (GRCh38, chr12:88,053,726, plus strand): 5'-TCAGCTCCACTTTGGTCCTTGTTAGCTTCTATCTGATGGATTAATTCTGCTTTCTCTTTA[T>A]CCAGCTGATGATTAGCTAATCTAGAACACAATGATAATGTGTTAAAAAAATAAAGCAGAT-3'
Protein context (NP_079390.3, residues 2342-2362): QVLRLANHQL[Asp2352Val]KEKAELIHQI